The following is an entry in ClinVar:

NM_001009944.3(PKD1):c.4963G>A (p.Val1655Met)

Gene: PKD1 (polycystin 1, transient receptor potential channel interacting; minus strand). Cytogenetic location: 16p13.3.
Variant type: single nucleotide variant.
Coding change: c.4963G>A on transcript NM_001009944.3 (MANE Select); coding-DNA position 4963, G replaced by A.
Protein change: p.Val1655Met; replaces valine 1655 with methionine.
Molecular consequence: missense variant.
Genome position (GRCh38, 1-based): chr16:2,110,204, C>T on the plus strand (G>A on the coding strand, the complement: PKD1 is on the minus strand). VCF-style: chr16-2110204-C-T. GRCh37 (hg19) VCF-style: chr16-2160205-C-T.
Other names: c.4963G>A, p.Val1655Met (NM_000296.4); c.4963G>A (NM_001009944.2); short protein forms V1655M.
Identifiers: ClinVar variation 1049028 (VCV001049028.3), dbSNP rs149671582, ClinGen allele CA7832177.

ClinVar aggregate classification (germline): Uncertain significance. Review status: criteria provided, multiple submitters, no conflicts (2 of 4 stars). 3 submissions from 3 submitters: Uncertain significance (2). 1 of the submissions does not count toward it. Last evaluated 2026-03-05.

Conditions:
PKD1-related disorder. Also called: PKD1-related condition.

Allele frequency attached by ClinVar (database versions not stated): 1000 Genomes Project 30x 0.00016.
gnomAD v4.1: 62 of 1,611,710 alleles (0.0038%); highest among the groups gnomAD compares: Middle Eastern, 0.019%; no homozygotes.

Submissions (3):

Women's Health and Genetics/Laboratory Corporation of America, LabCorp
Classification: Uncertain significance. Last evaluated: 2026-03-05. Review status: criteria provided, single submitter. Criteria: LabCorp Variant Classification Summary - May 2015. Collection method: clinical testing. Allele origin: germline.
Comment: Variant summary: PKD1 c.4963G>A (p.Val1655Met) results in a conservative amino acid change in the encoded protein sequence. Algorithms developed to predict the effect of missense changes on protein structure and function all suggest that this variant is likely to be tolerated. The variant allele was found at a frequency of 5.2e-05 in 248204 control chromosomes. This frequency is not significantly higher than estimated for disease-causing variants in PKD1, allowing no conclusion about variant significance. c.4963G>A has been observed with variants in other genes in an individual affected with autosomal dominant Polycystic Kidney Disease (Senum_2022). These report(s) do not provide unequivocal conclusions about association of the variant with Polycystic Kidney Disease 1. To our knowledge, no experimental evidence demonstrating an impact on protein function has been reported. The following publication have been ascertained in the context of this evaluation (PMID: 34890546). ClinVar contains an entry for this variant (Variation ID: 1049028). Based on the evidence outlined above, the variant was classified as uncertain significance.

PreventionGenetics, part of Exact Sciences
Classification: Uncertain significance for PKD1-related condition. Last evaluated: 2025-09-17. Review status: criteria provided, single submitter. Criteria: ACMG Guidelines, 2015. Collection method: clinical testing. Allele origin: germline.
Comment: The PKD1 c.4963G>A variant is predicted to result in the amino acid substitution p.Val1655Met. This variant was reported in an individual with autosomal dominant polycystic kidney disease (ADPKD), but this individual also has a heterozygous canonical splice variant in IFT140 that is likely the primary cause for the PKD phenotype (Senum et al. 2021. PubMed ID: 34890546). This variant is reported in 0.020% of alleles in individuals of African descent in gnomAD. Although we suspect that this variant may be benign due to its relatively high minor allele frequency in the general population, at this time, the clinical significance of this variant is uncertain due to the absence of conclusive functional and genetic evidence.

Department of Pathology and Laboratory Medicine, Sinai Health System
Classification: Uncertain significance. Review status: no assertion criteria provided. Collection method: clinical testing. Allele origin: unknown. Affected: yes. Study: The Canadian Open Genetics Repository (COGR). Not counted in ClinVar's aggregate classification.
Comment: The PKD1 p.Val1655Met variant was not identified in the literature nor was it identified in ClinVar, LOVD 3.0, ADPKD Mutation Database or PKD1-LOVD. The variant was identified in dbSNP (ID: rs149671582) and in control databases in 15 of 279582 chromosomes at a frequency of 0.000054 (Genome Aggregation Database Feb 27, 2017). The variant was observed in the following populations: African in 5 of 24654 chromosomes (freq: 0.000203), Latino in 5 of 35338 chromosomes (freq: 0.000142), Other in 1 of 7150 chromosomes (freq: 0.00014), European (Finnish) in 1 of 24958 chromosomes (freq: 0.00004), South Asian in 1 of 30586 chromosomes (freq: 0.000033) and European (non-Finnish) in 2 of 126758 chromosomes (freq: 0.000016); it was not observed in the Ashkenazi Jewish and East Asian populations. The p.Val1655 residue is not conserved in mammals and computational analyses (SIFT, AlignGVGD, BLOSUM, MutationTaster) do not suggest a high likelihood of impact to the protein; however, this information is not predictive enough to rule out pathogenicity. The variant occurs outside of the splicing consensus sequence and three of four in silico or computational prediction software programs (SpliceSiteFinder, MaxEntScan, NNSPLICE, GeneSplicer) do not predict a greater than 10% difference in splicing; this is not very predictive of pathogenicity. In summary, based on the above information the clinical significance of this variant cannot be determined with certainty at this time. This variant is classified as a variant of uncertain significance.

Literature cited by the submitters: PubMed 34890546 (cited by Women's Health and Genetics/Laboratory Corporation of America, LabCorp).